The following is an entry in ClinVar:

ClinVar aggregate classification (germline): Uncertain significance (1 of 4 stars; one submission).

Conditions:
Dystonic disorder. Also called: Dystonia. Identifiers: MedGen C0013421, MONDO:0003441, HP:0001332.

gnomAD v4.1: 8 of 1,614,030 alleles (0.0005%); highest among the groups gnomAD compares: African/African-American, 0.0013%; no homozygotes.

Submission:

Labcorp Genetics (formerly Invitae), Labcorp
Classification: Uncertain significance for Dystonic disorder. Last evaluated: 2024-12-07. Review status: criteria provided, single submitter. Criteria: Invitae Variant Classification Sherloc (09022015). Collection method: clinical testing. Allele origin: germline.
Comment: This sequence change replaces arginine, which is basic and polar, with cysteine, which is neutral and slightly polar, at codon 219 of the DRD2 protein (p.Arg219Cys). This variant is present in population databases (no rsID available, gnomAD 0.003%). This variant has not been reported in the literature in individuals affected with DRD2-related conditions. An algorithm developed to predict the effect of missense changes on protein structure and function (PolyPhen-2) suggests that this variant is likely to be disruptive. In summary, the available evidence is currently insufficient to determine the role of this variant in disease. Therefore, it has been classified as a Variant of Uncertain Significance.

NM_000795.4(DRD2):c.655C>T (p.Arg219Cys)

Gene: DRD2 (dopamine receptor D2; minus strand). Cytogenetic location: 11q23.2.
Variant type: single nucleotide variant.
Coding change: c.655C>T on transcript NM_000795.4 (MANE Select); coding-DNA position 655, C replaced by T.
Protein change: p.Arg219Cys; replaces arginine 219 with cysteine.
Molecular consequence: missense variant.
Genome position (GRCh38, 1-based): chr11:113,415,489, G>A on the plus strand (C>T on the coding strand, the complement: DRD2 is on the minus strand). VCF-style: chr11-113415489-G-A. GRCh37 (hg19) VCF-style: chr11-113286211-G-A.
Other names: c.655C>T, p.Arg219Cys (NM_016574.4); short protein forms R219C.
Identifiers: ClinVar variation 3709299 (VCV003709299.2).